The following is an entry in ClinVar:

NM_005461.5(MAFB):c.748G>T (p.Gly250Cys)

Gene: MAFB (MAF bZIP transcription factor B; minus strand). Cytogenetic location: 20q12.
Variant type: single nucleotide variant.
Coding change: c.748G>T on transcript NM_005461.5 (MANE Select); coding-DNA position 748, G replaced by T.
Protein change: p.Gly250Cys; replaces glycine 250 with cysteine.
Molecular consequence: missense variant.
Genome position (GRCh38, 1-based): chr20:40,688,103, C>A on the plus strand (G>T on the coding strand, the complement: MAFB is on the minus strand). VCF-style: chr20-40688103-C-A. GRCh37 (hg19) VCF-style: chr20-39316743-C-A.
Other names: short protein forms G250C.
Identifiers: ClinVar variation 2006978 (VCV002006978.4), dbSNP rs2515462606, ClinGen allele CA408940487.

ClinVar aggregate classification (germline): Uncertain significance (1 of 4 stars; one submission).

Submission:

Labcorp Genetics (formerly Invitae), Labcorp
Classification: Uncertain significance. Last evaluated: 2023-08-17. Review status: criteria provided, single submitter. Criteria: Invitae Variant Classification Sherloc (09022015). Collection method: clinical testing. Allele origin: germline.
Comment: This variant has not been reported in the literature in individuals affected with MAFB-related conditions. This sequence change replaces glycine, which is neutral and non-polar, with cysteine, which is neutral and slightly polar, at codon 250 of the MAFB protein (p.Gly250Cys). This variant is not present in population databases (gnomAD no frequency). ClinVar contains an entry for this variant (Variation ID: 2006978). Advanced modeling of protein sequence and biophysical properties (such as structural, functional, and spatial information, amino acid conservation, physicochemical variation, residue mobility, and thermodynamic stability) performed at Invitae indicates that this missense variant is expected to disrupt MAFB protein function. In summary, the available evidence is currently insufficient to determine the role of this variant in disease. Therefore, it has been classified as a Variant of Uncertain Significance.